The following is an entry in ClinVar:

NM_000051.4(ATM):c.4242C>G (p.Ser1414=)

Gene: ATM (ATM serine/threonine kinase; plus strand). Cytogenetic location: 11q22.3.
Variant type: single nucleotide variant.
Coding change: c.4242C>G on transcript NM_000051.4 (MANE Select); coding-DNA position 4242, C replaced by G.
Protein change: p.Ser1414=; no amino-acid change (serine 1414 retained).
Molecular consequence: synonymous variant.
Genome position (GRCh38, 1-based): chr11:108,289,607, C>G. VCF-style: chr11-108289607-C-G. GRCh37 (hg19) VCF-style: chr11-108160334-C-G.
Other names: c.4242C>G, p.Ser1414= (NM_001351834.2).
Identifiers: ClinVar variation 1049049 (VCV001049049.1), dbSNP rs2135759239, ClinGen allele CA476673797.

ClinVar aggregate classification (germline): Benign (0 of 4 stars; one submission).

Submission:

Department of Pathology and Laboratory Medicine, Sinai Health System
Classification: Benign. Review status: no assertion criteria provided. Collection method: clinical testing. Allele origin: unknown. Affected: yes. Study: The Canadian Open Genetics Repository (COGR).
Comment: The ATM p.Ser1414= variant was not identified in the literature nor was it identified in the dbSNP, ClinVar, Cosmic, MutDB, LOVD 3.0, and ATM-LOVD, databases. In addition, the variant was not identified in the 1000 Genomes Project, the NHLBI GO Exome Sequencing Project or the Exome Aggregation Consortium (August 8th 2016) control databases. The p.Ser1414= variant is not expected to have clinical significance because it does not result in a change of amino acid and is not located in a known consensus splice site. In addition, in silico or computational prediction software programs (SpliceSiteFinder, MaxEntScan, NNSPLICE, GeneSplicer, HumanSpliceFinder) do not predict a difference in splicing. In summary, based on the above information this variant meets our laboratory's criteria to be classified as benign.